The following is an entry in ClinVar:

NM_020919.4(ALS2):c.3348-1G>A

Gene: ALS2 (alsin Rho guanine nucleotide exchange factor ALS2; minus strand). Cytogenetic location: 2q33.1.
Variant type: single nucleotide variant.
Coding change: c.3348-1G>A on transcript NM_020919.4 (MANE Select); the canonical splice acceptor site of the intron before coding-DNA position 3348, G replaced by A.
Molecular consequence: splice acceptor variant.
Genome position (GRCh38, 1-based): chr2:201,724,460, C>T on the plus strand (G>A on the coding strand, the complement: ALS2 is on the minus strand). VCF-style: chr2-201724460-C-T. GRCh37 (hg19) VCF-style: chr2-202589183-C-T.
Other names: c.3348-1G>A (NM_001410975.1).
Identifiers: ClinVar variation 1068440 (VCV001068440.7), dbSNP rs2106001462, ClinGen allele CA350319929.

ClinVar aggregate classification (germline): Likely pathogenic (1 of 4 stars; one submission).

Conditions:
Infantile-onset ascending hereditary spastic paralysis (IAHSP). Also called: Infantile-Onset Ascending Hereditary Spastic Paralysis (IAHSP); Autosomal Recessive Juvenile Amyotrophic Lateral Sclerosis. Identifiers: Orphanet 293168, MedGen C2931441, MONDO:0011797, OMIM 607225. Disease mechanism: loss of function.

Submission:

Labcorp Genetics (formerly Invitae), Labcorp
Classification: Likely pathogenic for Infantile-onset ascending hereditary spastic paralysis. Last evaluated: 2021-05-07. Review status: criteria provided, single submitter. Criteria: Invitae Variant Classification Sherloc (09022015). Collection method: clinical testing. Allele origin: germline.
Comment: In summary, the currently available evidence indicates that the variant is pathogenic, but additional data are needed to prove that conclusively. Therefore, this variant has been classified as Likely Pathogenic. Donor and acceptor splice site variants typically lead to a loss of protein function (PMID: 16199547), and loss-of-function variants in ALS2 are known to be pathogenic (PMID: 11586298, 24315819). Algorithms developed to predict the effect of sequence changes on RNA splicing suggest that this variant may disrupt the consensus splice site, but this prediction has not been confirmed by published transcriptional studies. This variant has not been reported in the literature in individuals with ALS2-related conditions. This variant is not present in population databases (ExAC no frequency). This sequence change affects an acceptor splice site in intron 20 of the ALS2 gene. It is expected to disrupt RNA splicing and likely results in an absent or disrupted protein product.

Literature cited by the submitters: PubMed 16199547; PubMed 11586298; PubMed 24315819.